The following is an entry in ClinVar:

ClinVar aggregate classification (germline): Uncertain significance. Review status: criteria provided, single submitter (1 of 4 stars). 2 submissions from 2 submitters: Uncertain significance (1). 1 of the submissions does not count toward it. Last evaluated 2022-06-07.

Conditions:
Hereditary nonpolyposis colorectal neoplasms. Identifiers: MedGen C0009405, MeSH D003123.
Malignant tumor of breast. Also called: Malignant breast neoplasm; Cancer breast. Identifiers: MedGen C0006142, MONDO:0007254. Disease mechanism: loss of function.

Allele frequency attached by ClinVar (database versions not stated): TOPMed below 0.00001; gnomAD 0.00001.

Submissions (2):

Labcorp Genetics (formerly Invitae), Labcorp
Classification: Uncertain significance for Hereditary nonpolyposis colorectal neoplasms. Last evaluated: 2022-06-07. Review status: criteria provided, single submitter. Criteria: Invitae Variant Classification Sherloc (09022015). Collection method: clinical testing. Allele origin: germline.
Comment: ClinVar contains an entry for this variant (Variation ID: 1050454). Advanced modeling of protein sequence and biophysical properties (such as structural, functional, and spatial information, amino acid conservation, physicochemical variation, residue mobility, and thermodynamic stability) performed at Invitae indicates that this missense variant is not expected to disrupt MSH6 protein function. In summary, the available evidence is currently insufficient to determine the role of this variant in disease. Therefore, it has been classified as a Variant of Uncertain Significance. This variant has not been reported in the literature in individuals affected with MSH6-related conditions. This sequence change replaces cysteine, which is neutral and slightly polar, with tyrosine, which is neutral and polar, at codon 426 of the MSH6 protein (p.Cys426Tyr). This variant is not present in population databases (gnomAD no frequency).

Department of Pathology and Laboratory Medicine, Sinai Health System
Classification: Uncertain significance for Malignant tumor of breast. Review status: no assertion criteria provided. Collection method: clinical testing. Allele origin: unknown. Affected: yes. Study: The Canadian Open Genetics Repository (COGR). Not counted in ClinVar's aggregate classification.
Comment: The MSH6 p.Cys426Tyr variant was not identified in the literature nor was it identified in the dbSNP, ClinVar, or UMD-LSDB database. The variant was not identified in the following control databases: the Exome Aggregation Consortium (August 8th 2016), or the Genome Aggregation Database (Feb 27, 2017). The p.Cys426 residue is not conserved in mammals and computational analyses (PolyPhen-2, SIFT, AlignGVGD, BLOSUM, MutationTaster) provide inconsistent predictions regarding the impact to the protein; this information is not very predictive of pathogenicity. The variant occurs outside of the splicing consensus sequence and in silico or computational prediction software programs (SpliceSiteFinder, MaxEntScan, NNSPLICE, GeneSplicer) do not predict a difference in splicing. In summary, based on the above information the clinical significance of this variant cannot be determined with certainty at this time. This variant is classified as a variant of uncertain significance.

NM_000179.3(MSH6):c.1277G>A (p.Cys426Tyr)

Gene: MSH6 (mutS homolog 6; plus strand). Cytogenetic location: 2p16.3.
Variant type: single nucleotide variant.
Coding change: c.1277G>A on transcript NM_000179.3 (MANE Select); coding-DNA position 1277, G replaced by A.
Protein change: p.Cys426Tyr; replaces cysteine 426 with tyrosine.
Molecular consequence: missense variant.
Genome position (GRCh38, 1-based): chr2:47,799,260, G>A. VCF-style: chr2-47799260-G-A. GRCh37 (hg19) VCF-style: chr2-48026399-G-A.
Other names: c.887G>A, p.Cys296Tyr (NM_001281492.2); c.371G>A, p.Cys124Tyr (NM_001281493.2, NM_001281494.2); short protein forms C124Y, C296Y, C426Y.
Identifiers: ClinVar variation 1050454 (VCV001050454.7), dbSNP rs1207702287, ClinGen allele CA346744079.